The following is an entry in ClinVar:

NM_017514.5(PLXNA3):c.5008G>A (p.Asp1670Asn)

Gene: PLXNA3 (plexin A3; plus strand). Cytogenetic location: Xq28.
Variant type: single nucleotide variant.
Coding change: c.5008G>A on transcript NM_017514.5 (MANE Select); coding-DNA position 5008, G replaced by A.
Protein change: p.Asp1670Asn; replaces aspartic acid 1670 with asparagine.
Molecular consequence: missense variant.
Genome position (GRCh38, 1-based): chrX:154,470,463, G>A. VCF-style: chrX-154470463-G-A. GRCh37 (hg19) VCF-style: chrX-153698806-G-A.
Other names: short protein forms D1670N.
Identifiers: ClinVar variation 3346227 (VCV003346227.1).

ClinVar aggregate classification (germline): Uncertain significance (0 of 4 stars; one submission).

Conditions:
PLXNA3-related disorder. Also called: PLXNA3-related condition.

gnomAD v4.1: 2 of 1,210,970 alleles (0.00017%); highest among the groups gnomAD compares: Non-Finnish European, 0.00022%; no homozygotes.

Submission:

PreventionGenetics, part of Exact Sciences
Classification: Uncertain significance for PLXNA3-related condition. Last evaluated: 2024-07-11. Review status: no assertion criteria provided. Collection method: clinical testing. Allele origin: germline.
Comment: The PLXNA3 c.5008G>A variant is predicted to result in the amino acid substitution p.Asp1670Asn. To our knowledge, this variant has not been reported in the literature or in a large population database, indicating this variant is rare. At this time, the clinical significance of this variant is uncertain due to the absence of conclusive functional and genetic evidence.